The following is an entry in ClinVar:

NM_058216.3(RAD51C):c.405-5G>A

Gene: RAD51C (RAD51 paralog C; plus strand). Cytogenetic location: 17q22.
Variant type: single nucleotide variant.
Coding change: c.405-5G>A on transcript NM_058216.3 (MANE Select); 5 bases into the intron before coding-DNA position 405, G replaced by A.
Molecular consequence: intron variant.
Genome position (GRCh38, 1-based): chr17:58,696,688, G>A. VCF-style: chr17-58696688-G-A. GRCh37 (hg19) VCF-style: chr17-56774049-G-A.
Identifiers: ClinVar variation 751956 (VCV000751956.18), dbSNP rs1598459949, ClinGen allele CA915950633.

ClinVar aggregate classification (germline): Conflicting classifications of pathogenicity. Review status: criteria provided, conflicting classifications (1 of 4 stars). 6 submissions from 6 submitters: Uncertain significance (1); Likely benign (5). Last evaluated 2025-12-10.

Conditions:
Hereditary cancer-predisposing syndrome. Also called: Tumor predisposition; Hereditary Cancer Syndrome; Neoplastic Syndromes, Hereditary; Hereditary neoplastic syndrome. Identifiers: Orphanet 140162, MedGen C0027672, MeSH D009386, MONDO:0015356.
Breast-ovarian cancer, familial, susceptibility to, 3. Also called: RAD51C-Related Breast/Ovarian Cancer. Identifiers: Orphanet 145, MedGen C3150659, MONDO:0013253, OMIM 613399.
Fanconi anemia complementation group O. Also called: RAD51C-Related Fanconi Anemia. Identifiers: Orphanet 84, MedGen C3150653, MONDO:0013248, OMIM 613390.

Submissions (6):

Labcorp Genetics (formerly Invitae), Labcorp
Classification: Likely benign for Fanconi anemia complementation group O. Last evaluated: 2025-12-10. Review status: criteria provided, single submitter. Criteria: Invitae Variant Classification Sherloc (09022015). Collection method: clinical testing. Allele origin: germline.

Women's Health and Genetics/Laboratory Corporation of America, LabCorp
Classification: Likely benign. Last evaluated: 2025-04-29. Review status: criteria provided, single submitter. Criteria: LabCorp Variant Classification Summary - May 2015. Collection method: clinical testing. Allele origin: germline.
Comment: Variant summary: RAD51C c.405-5G>A alters a nucleotide located at a position not widely known to affect splicing. Consensus agreement among computation tools predict no significant impact on normal splicing. However, these predictions have yet to be confirmed by functional studies. The variant was absent in 1614096 control chromosomes. The available data on variant occurrences in the general population are insufficient to allow any conclusion about variant significance. To our knowledge, no occurrence of c.405-5G>A in individuals affected with Hereditary Breast And Ovarian Cancer Syndrome and no experimental evidence demonstrating its impact on protein function have been reported. ClinVar contains an entry for this variant (Variation ID: 751956). Based on the evidence outlined above, the variant was classified as likely benign.

Myriad Genetics, Inc.
Classification: Likely benign for Breast-ovarian cancer, familial, susceptibility to, 3. Last evaluated: 2025-02-18. Review status: criteria provided, single submitter. Criteria: Myriad Autosomal Dominant, Autosomal Recessive and X-Linked Classification Criteria (2023). Collection method: clinical testing. Allele origin: unknown.
Comment: This variant is considered likely benign. This variant is intronic and is not expected to impact mRNA splicing.

Ambry Genetics
Classification: Uncertain significance for Hereditary cancer-predisposing syndrome. Last evaluated: 2024-04-25. Review status: criteria provided, single submitter. Criteria: Ambry Variant Classification Scheme 2023. Collection method: clinical testing. Allele origin: germline.
Comment: The c.405-5G>A intronic variant results from a G to A substitution 5 nucleotides upstream from coding exon 3 in the RAD51C gene. This nucleotide position is not well conserved in available vertebrate species. In silico splice site analysis predicts that this alteration will not have any significant effect on splicing. Based on the available evidence, the clinical significance of this variant remains unclear.

Color Diagnostics, LLC DBA Color Health
Classification: Likely benign for Hereditary cancer-predisposing syndrome. Last evaluated: 2019-12-14. Review status: criteria provided, single submitter. Criteria: ACMG Guidelines, 2015. Collection method: clinical testing. Allele origin: germline.

GeneDx
Classification: Likely benign. Last evaluated: 2018-07-30. Review status: criteria provided, single submitter. Criteria: GeneDx Variant Classification Process June 2021. Collection method: clinical testing. Allele origin: germline. Affected: yes.